The following is an entry in ClinVar:

NM_006080.3(SEMA3A):c.1066T>C (p.Tyr356His)

Gene: SEMA3A (semaphorin 3A; minus strand). Cytogenetic location: 7q21.11.
Variant type: single nucleotide variant.
Coding change: c.1066T>C on transcript NM_006080.3 (MANE Select); coding-DNA position 1066, T replaced by C.
Protein change: p.Tyr356His; replaces tyrosine 356 with histidine.
Molecular consequence: missense variant.
Genome position (GRCh38, 1-based): chr7:84,007,427, A>G on the plus strand (T>C on the coding strand, the complement: SEMA3A is on the minus strand). VCF-style: chr7-84007427-A-G. GRCh37 (hg19) VCF-style: chr7-83636743-A-G.
Other names: short protein forms Y356H.
Identifiers: ClinVar variation 3354049 (VCV003354049.2).

ClinVar aggregate classification (germline): Uncertain significance (1 of 4 stars; one submission).

Conditions:
SEMA3A-related disorder. Also called: SEMA3A-related condition.

gnomAD v4.1: 3 of 1,608,760 alleles (0.00019%); highest among the groups gnomAD compares: African/African-American, 0.004%; no homozygotes.

Submission:

PreventionGenetics, part of Exact Sciences
Classification: Uncertain significance for SEMA3A-related condition. Last evaluated: 2026-03-02. Review status: criteria provided, single submitter. Criteria: ACMG Guidelines, 2015. Collection method: clinical testing. Allele origin: germline.
Comment: The SEMA3A c.1066T>C variant is predicted to result in the amino acid substitution p.Tyr356His. To our knowledge, this variant has not been reported in the literature or in a large population database, indicating this variant is rare. At this time, the clinical significance of this variant is uncertain due to the absence of conclusive functional and genetic evidence.